The following is an entry in ClinVar:

ClinVar aggregate classification (germline): Conflicting classifications of pathogenicity. Review status: criteria provided, conflicting classifications (1 of 4 stars). 6 submissions from 6 submitters: Uncertain significance (5); Likely benign (1). Last evaluated 2026-01-19.

Conditions:
Bethlem myopathy 1A. Also called: Bethlem Muscular Dystrophy; Bethlem myopathy 1; MYOPATHY, BENIGN CONGENITAL, WITH CONTRACTURES. Identifiers: Orphanet 610, MedGen CN029274, MONDO:0024530, OMIM 158810.
Inborn genetic diseases. Identifiers: MedGen C0950123, MeSH D030342.

Allele frequency attached by ClinVar (database versions not stated): gnomAD 0.00001; gnomAD exomes 0.00002; TOPMed 0.00002; ExAC 0.00004.

Submissions (6):

Labcorp Genetics (formerly Invitae), Labcorp
Classification: Likely benign for Bethlem myopathy 1A. Last evaluated: 2026-01-19. Review status: criteria provided, single submitter. Criteria: Invitae Variant Classification Sherloc (09022015). Collection method: clinical testing. Allele origin: germline.

CeGaT Center for Human Genetics Tuebingen
Classification: Uncertain significance. Last evaluated: 2025-02-01. Review status: criteria provided, single submitter. Criteria: CeGaT Center For Human Genetics Tuebingen Variant Classification Criteria Version 2. Collection method: clinical testing. Allele origin: germline. Affected: yes. Observed: 1 variant allele.
Comment: COL6A1: PM2

Blueprint Genetics
Classification: Uncertain significance. Last evaluated: 2023-04-25. Review status: criteria provided, single submitter. Criteria: ACMG Guidelines, 2015. Collection method: clinical testing. Allele origin: germline.

Ambry Genetics
Classification: Uncertain significance for Inborn genetic diseases. Last evaluated: 2023-03-17. Review status: criteria provided, single submitter. Criteria: Ambry Variant Classification Scheme 2023. Collection method: clinical testing. Allele origin: germline.

GeneDx
Classification: Uncertain significance. Last evaluated: 2022-03-03. Review status: criteria provided, single submitter. Criteria: GeneDx Variant Classification Process June 2021. Collection method: clinical testing. Allele origin: germline. Affected: yes.
Comment: In silico analysis supports that this missense variant has a deleterious effect on protein structure/function; Has not been previously published as pathogenic or benign to our knowledge

Revvity Omics, Revvity
Classification: Uncertain significance. Last evaluated: 2019-10-14. Review status: criteria provided, single submitter. Criteria: ACMG Guidelines, 2015. Collection method: clinical testing. Allele origin: germline.

NM_001848.3(COL6A1):c.1297C>T (p.Arg433Trp)

Gene: COL6A1 (collagen type VI alpha 1 chain; plus strand). Cytogenetic location: 21q22.3.
Variant type: single nucleotide variant.
Coding change: c.1297C>T on transcript NM_001848.3 (MANE Select); coding-DNA position 1297, C replaced by T.
Protein change: p.Arg433Trp; replaces arginine 433 with tryptophan.
Molecular consequence: missense variant.
Genome position (GRCh38, 1-based): chr21:45,992,772, C>T. VCF-style: chr21-45992772-C-T. GRCh37 (hg19) VCF-style: chr21-47412686-C-T.
Other names: short protein forms R433W.
Identifiers: ClinVar variation 947379 (VCV000947379.33), dbSNP rs753297152, ClinGen allele CA10070228.
Genomic context (GRCh38, chr21:45,992,772, plus strand): 5'-AGCTGAGGCTTCTCCCCTCCATGTCTCTCCACTCAGGGTGGCCCTGGAGAGAGAGGACCA[C>T]GGGGGACCCCAGGCACGCGGGGACCAAGAGGAGACCCTGTGAGTCACAGTTCCTGGAGCT-3'
Protein context (NP_001839.2, residues 423-443): ERGGPGERGP[Arg433Trp]GTPGTRGPRG